The following is an entry in ClinVar:

NM_030973.4(MED25):c.449del (p.Pro150fs)

Gene: MED25 (mediator complex subunit 25; plus strand). Cytogenetic location: 19q13.33.
Variant type: Deletion.
Coding change: c.449del on transcript NM_030973.4 (MANE Select); coding-DNA position 449, one base deleted (C; older notation c.449delC).
Protein change: p.Pro150fs; shifts the reading frame from proline 150.
Molecular consequence: frameshift variant.
Genome position (GRCh38, 1-based): chr19:49,829,014, C deleted; the last of 5 consecutive C bases (chr19:49,829,010-49,829,014); deleting any one gives the same sequence. VCF-style (leftmost placement, unchanged base first): chr19-49829009-AC-A. GRCh37 (hg19) VCF-style: chr19-50332266-AC-A.
Other names: c.449delC (NM_030973.3); c.449del, p.Pro150fs (NM_001378355.1); short protein forms P150fs.
Identifiers: ClinVar variation 644092 (VCV000644092.6), dbSNP rs1600323331, ClinGen allele CA915951903.

ClinVar aggregate classification (germline): Uncertain significance (1 of 4 stars; one submission).

Conditions:
Charcot-Marie-Tooth disease type 2. Also called: Charcot-Marie-Tooth type 2. Identifiers: Orphanet 64746, MedGen C0270914, MONDO:0018993.

Submission:

Labcorp Genetics (formerly Invitae), Labcorp
Classification: Uncertain significance for Charcot-Marie-Tooth disease type 2. Last evaluated: 2020-02-07. Review status: criteria provided, single submitter. Criteria: Invitae Variant Classification Sherloc (09022015). Collection method: clinical testing. Allele origin: germline.
Comment: The current clinical and genetic evidence is not sufficient to establish whether loss-of-function variants in MED25 cause disease. In summary, the available evidence is currently insufficient to determine the role of this variant in disease. Therefore, it has been classified as a Variant of Uncertain Significance. This variant has not been reported in the literature in individuals with MED25-related disease. This sequence change creates a premature translational stop signal (p.Pro150Hisfs*64) in the MED25 gene. It is expected to result in an absent or disrupted protein product. This variant is not present in population databases (ExAC no frequency).